The following is an entry in ClinVar:

ClinVar aggregate classification (germline): Benign/Likely benign. Review status: criteria provided, multiple submitters, no conflicts (2 of 4 stars). 3 submissions from 3 submitters: Benign (1); Likely benign (2). Last evaluated 2026-01-25.

Conditions:
Desbuquois dysplasia 1 (DBQD1). Also called: DESBUQUOIS DYSPLASIA 1, KIM VARIANT; MICROMELIC DWARFISM WITH VERTEBRAL AND METAPHYSEAL ABNORMALITIES AND ADVANCED CARPOTARSAL OSSIFICATION. Identifiers: Orphanet 1425, MedGen C4012146, MONDO:0009629, OMIM 251450.

Allele frequency attached by ClinVar (database versions not stated): ExAC 0.00054; gnomAD 0.00176 and 0.00185; TOPMed 0.00193; 1000 Genomes Project 30x 0.00219; 1000 Genomes Project 0.00220; ESP Exome Variant Server 0.00260.

Submissions (3):

Labcorp Genetics (formerly Invitae), Labcorp
Classification: Benign. Last evaluated: 2026-01-25. Review status: criteria provided, single submitter. Criteria: Invitae Variant Classification Sherloc (09022015). Collection method: clinical testing. Allele origin: germline.

Blueprint Genetics
Classification: Likely benign. Last evaluated: 2024-09-10. Review status: criteria provided, single submitter. Criteria: ACMG Guidelines, 2015. Collection method: clinical testing. Allele origin: germline.

Illumina Laboratory Services, Illumina
Classification: Likely benign for Desbuquois dysplasia 1. Last evaluated: 2018-01-13. Review status: criteria provided, single submitter. Criteria: ICSL Variant Classification Criteria 13 December 2019. Collection method: clinical testing. Allele origin: germline.
Comment: This variant was observed in the ICSL laboratory as part of a predisposition screen in an ostensibly healthy population. It had not been previously curated by ICSL or reported in the Human Gene Mutation Database (HGMD: prior to June 1st, 2018), and was therefore a candidate for classification through an automated scoring system. Utilizing variant allele frequency, disease prevalence and penetrance estimates, and inheritance mode, an automated score was calculated to assess if this variant is too frequent to cause the disease. Based on the score and internal cut-off values, a variant classified as likely benign is not then subjected to further curation. The score for this variant resulted in a classification of likely benign for this disease.

NM_001159773.2(CANT1):c.198C>T (p.Pro66=)

Gene: CANT1 (calcium activated nucleotidase 1; minus strand). Cytogenetic location: 17q25.3.
Variant type: single nucleotide variant.
Coding change: c.198C>T on transcript NM_001159773.2 (MANE Select); coding-DNA position 198, C replaced by T.
Protein change: p.Pro66=; no amino-acid change (proline 66 retained).
Molecular consequence: synonymous variant.
Genome position (GRCh38, 1-based): chr17:78,997,425, G>A on the plus strand (C>T on the coding strand, the complement: CANT1 is on the minus strand). VCF-style: chr17-78997425-G-A. GRCh37 (hg19) VCF-style: chr17-76993507-G-A.
Other names: c.198C>T, p.Pro66= (NM_001159772.2, NM_138793.4).
Identifiers: ClinVar variation 787995 (VCV000787995.14), dbSNP rs201935694, ClinGen allele CA8808790.